The following is an entry in ClinVar:

ClinVar aggregate classification (germline): Uncertain significance (1 of 4 stars; one submission).

Conditions:
Familial thoracic aortic aneurysm and aortic dissection (TAAD). Also called: Thoracic aortic aneurysms and dissections. Identifiers: Orphanet 91387, MedGen C4707243, MONDO:0019625.

Submission:

Ambry Genetics
Classification: Uncertain significance for Familial thoracic aortic aneurysm and aortic dissection. Last evaluated: 2023-12-15. Review status: criteria provided, single submitter. Criteria: Ambry Variant Classification Scheme 2023. Collection method: clinical testing. Allele origin: germline.
Comment: The p.K559Q variant (also known as c.1675A>C), located in coding exon 5 of the SKI gene, results from an A to C substitution at nucleotide position 1675. The lysine at codon 559 is replaced by glutamine, an amino acid with similar properties. This amino acid position is conserved. In addition, the in silico prediction for this alteration is inconclusive. Since supporting evidence is limited at this time, the clinical significance of this alteration remains unclear.

NM_003036.4(SKI):c.1675A>C (p.Lys559Gln)

Gene: SKI (SKI proto-oncogene; plus strand). Cytogenetic location: 1p36.32.
Variant type: single nucleotide variant.
Coding change: c.1675A>C on transcript NM_003036.4 (MANE Select); coding-DNA position 1675, A replaced by C.
Protein change: p.Lys559Gln; replaces lysine 559 with glutamine.
Molecular consequence: missense variant.
Genome position (GRCh38, 1-based): chr1:2,304,493, A>C. VCF-style: chr1-2304493-A-C. GRCh37 (hg19) VCF-style: chr1-2235932-A-C.
Other names: short protein forms K559Q.
Identifiers: ClinVar variation 3223059 (VCV003223059.1), dbSNP rs1391214846, ClinGen allele CA337957707.